The following is an entry in ClinVar:

NM_000044.6(AR):c.2512G>T (p.Glu838Ter)

Gene: AR (androgen receptor; plus strand). Cytogenetic location: Xq12.
Variant type: single nucleotide variant.
Coding change: c.2512G>T on transcript NM_000044.6 (MANE Select); coding-DNA position 2512, G replaced by T.
Protein change: p.Glu838Ter; replaces glutamic acid 838 with a stop codon.
Molecular consequence: nonsense.
Genome position (GRCh38, 1-based): chrX:67,722,889, G>T. VCF-style: chrX-67722889-G-T. GRCh37 (hg19) VCF-style: chrX-66942731-G-T.
Other names: c.916G>T, p.Glu306Ter (NM_001011645.3); short protein forms E306*, E838*.
Identifiers: ClinVar variation 1455502 (VCV001455502.6), dbSNP rs1555997775, ClinGen allele CA413427843.

ClinVar aggregate classification (germline): Pathogenic (1 of 4 stars; one submission).

Conditions:
Kennedy disease (SMAX1). Also called: SPINAL AND BULBAR MUSCULAR ATROPHY, X-LINKED 1; KENNEDY SPINAL AND BULBAR MUSCULAR ATROPHY; Spinal and Bulbar Muscular Atrophy. Identifiers: Orphanet 481, MedGen C1839259, MONDO:0010735, OMIM 313200.
Androgen resistance syndrome (AIS). Also called: ANDROGEN RECEPTOR DEFICIENCY; DIHYDROTESTOSTERONE RECEPTOR DEFICIENCY; Androgen insensitivity; DHTR DEFICIENCY; TESTICULAR FEMINIZATION SYNDROME; Androgen insensitivity syndrome. Identifiers: Orphanet 754, Orphanet 99429, MedGen C0039585, MONDO:0019154, OMIM 300068. Disease mechanism: loss of function.

Submission:

Labcorp Genetics (formerly Invitae), Labcorp
Classification: Pathogenic for Kennedy disease; Androgen resistance syndrome. Last evaluated: 2021-06-04. Review status: criteria provided, single submitter. Criteria: Invitae Variant Classification Sherloc (09022015). Collection method: clinical testing. Allele origin: germline.
Comment: This variant is not present in population databases (ExAC no frequency). This sequence change creates a premature translational stop signal (p.Glu838*) in the AR gene. It is expected to result in an absent or disrupted protein product. Loss-of-function variants in AR are known to be pathogenic (PMID: 19463997). This variant has not been reported in the literature in individuals with AR-related conditions. For these reasons, this variant has been classified as Pathogenic. Algorithms developed to predict the effect of sequence changes on RNA splicing suggest that this variant may create or strengthen a splice site, but this prediction has not been confirmed by published transcriptional studies.

Literature cited by the submitters: PubMed 19463997.